The following is an entry in ClinVar:

ClinVar aggregate classification (germline): Uncertain significance (1 of 4 stars; one submission).

Allele frequency attached by ClinVar (database versions not stated): gnomAD exomes below 0.00001; TOPMed below 0.00001.
gnomAD v4.1: 2 of 1,604,514 alleles (0.00012%); highest among the groups gnomAD compares: Admixed American, 0.0017%; no homozygotes.

Submission:

Labcorp Genetics (formerly Invitae), Labcorp
Classification: Uncertain significance. Last evaluated: 2023-07-03. Review status: criteria provided, single submitter. Criteria: Invitae Variant Classification Sherloc (09022015). Collection method: clinical testing. Allele origin: germline.
Comment: This variant has not been reported in the literature in individuals affected with KIF22-related conditions. Algorithms developed to predict the effect of missense changes on protein structure and function output the following: SIFT: "Not Available"; PolyPhen-2: "Benign"; Align-GVGD: "Not Available". The lysine amino acid residue is found in multiple mammalian species, which suggests that this missense change does not adversely affect protein function. In summary, the available evidence is currently insufficient to determine the role of this variant in disease. Therefore, it has been classified as a Variant of Uncertain Significance. The frequency data for this variant in the population databases is considered unreliable, as metrics indicate poor data quality at this position in the gnomAD database. This sequence change replaces glutamic acid, which is acidic and polar, with lysine, which is basic and polar, at codon 13 of the KIF22 protein (p.Glu13Lys).

NM_007317.3(KIF22):c.37G>A (p.Glu13Lys)

Gene: KIF22 (kinesin family member 22; plus strand). Cytogenetic location: 16p11.2.
Variant type: single nucleotide variant.
Coding change: c.37G>A on transcript NM_007317.3 (MANE Select); coding-DNA position 37, G replaced by A.
Protein change: p.Glu13Lys; replaces glutamic acid 13 with lysine.
Molecular consequence: missense variant. On other transcripts: 5 prime UTR variant (1).
Genome position (GRCh38, 1-based): chr16:29,790,796, G>A. VCF-style: chr16-29790796-G-A. GRCh37 (hg19) VCF-style: chr16-29802117-G-A.
Other names: c.-217G>A (NM_001256269.2); short protein forms E13K.
Identifiers: ClinVar variation 2735755 (VCV002735755.3), dbSNP rs1176137975, ClinGen allele CA395448766.